The following is an entry in ClinVar:

Conditions:
Breast-ovarian cancer, familial, susceptibility to, 1 (BROVCA1). Also called: BRCA1 Hereditary Breast and Ovarian Cancer; OVARIAN CANCER, SUSCEPTIBILITY TO. Identifiers: Orphanet 145, MedGen C2676676, MONDO:0011450, OMIM 604370. Disease mechanism: loss of function.

Submission:

Brotman Baty Institute, University of Washington
No classification provided (evidence only). Condition: Breast-ovarian cancer, familial 1. Review status: no classification provided. Collection method: in vitro. Allele origin: not applicable. Functional consequence: functionally_normal.
ClinVar note: "not provided" was previously submitted as the classification for the variant. However, the classification appeared to be based only on an observation of functional data so it was converted to no classification on 2025-07-30.

NM_007294.4(BRCA1):c.4965T>G (p.Ser1655=)

Gene: BRCA1 (BRCA1 DNA repair associated; minus strand). Cytogenetic location: 17q21.31.
Variant type: single nucleotide variant.
Coding change: c.4965T>G on transcript NM_007294.4 (MANE Select); coding-DNA position 4965, T replaced by G.
Protein change: p.Ser1655=; no amino-acid change (serine 1655 retained).
Molecular consequence: synonymous variant. On other transcripts: intron variant (1).
Genome position (GRCh38, 1-based): chr17:43,070,949, A>C on the plus strand (T>G on the coding strand, the complement: BRCA1 is on the minus strand). VCF-style: chr17-43070949-A-C. GRCh37 (hg19) VCF-style: chr17-41222966-A-C.
Other names: c.4965T>G, p.Ser1655= (NM_001407684.1, NM_001407854.1, NM_001407593.1 and 8 more transcripts); c.4836T>G, p.Ser1612= (NM_001407685.1, NM_001407686.1, NM_001407687.1 and 6 more transcripts); c.4833T>G, p.Ser1611= (NM_001407690.1, NM_001407691.1); c.4824T>G, p.Ser1608= (NM_001407692.1, NM_001407694.1, NM_001407695.1 and 13 more transcripts); c.4821T>G, p.Ser1607= (NM_001407732.1, NM_001407733.1, NM_001407734.1 and 21 more transcripts); c.4818T>G, p.Ser1606= (NM_001407838.1, NM_001407839.1, NM_001407841.1 and 12 more transcripts); c.4962T>G, p.Ser1654= (NM_001407858.1, NM_001407859.1, NM_001407860.1 and 17 more transcripts); c.4959T>G, p.Ser1653= (NM_001407861.1, NM_001407627.1, NM_001407628.1 and 14 more transcripts); and 71 more.
Identifiers: ClinVar variation 868457 (VCV000868457.3), dbSNP rs2052361389, ClinGen allele CA500231557.